The following is an entry in ClinVar:

NM_001375524.1(TRRAP):c.1777G>A (p.Val593Met)

Gene: TRRAP (transformation/transcription domain associated protein; plus strand). Cytogenetic location: 7q22.1.
Variant type: single nucleotide variant.
Coding change: c.1777G>A on transcript NM_001375524.1 (MANE Select); coding-DNA position 1777, G replaced by A.
Protein change: p.Val593Met; replaces valine 593 with methionine.
Molecular consequence: missense variant.
Genome position (GRCh38, 1-based): chr7:98,910,572, G>A. VCF-style: chr7-98910572-G-A. GRCh37 (hg19) VCF-style: chr7-98508195-G-A.
Other names: c.1777G>A, p.Val593Met (NM_001244580.2, NM_003496.4); short protein forms V593M.
Identifiers: ClinVar variation 4994046 (VCV004994046.2).

ClinVar aggregate classification (germline): Uncertain significance. Review status: criteria provided, multiple submitters, no conflicts (2 of 4 stars). 2 submissions from 2 submitters: Uncertain significance (2). Last evaluated 2026-04-20.

Conditions:
TRRAP-related disorder. Also called: TRRAP-related condition.

Submissions (2):

GeneDx
Classification: Uncertain significance. Last evaluated: 2026-04-20. Review status: criteria provided, single submitter. Criteria: GeneDx Variant Classification Process June 2021. Collection method: clinical testing. Allele origin: germline.
Comment: Not observed at significant frequency in large population cohorts (gnomAD); In silico analysis suggests that this missense variant does not alter protein structure/function; Has not been previously published as pathogenic or benign to our knowledge

PreventionGenetics, part of Exact Sciences
Classification: Uncertain significance for TRRAP-related condition. Last evaluated: 2026-02-12. Review status: criteria provided, single submitter. Criteria: ACMG Guidelines, 2015. Collection method: clinical testing. Allele origin: germline.
Comment: The TRRAP c.1777G>A variant is predicted to result in the amino acid substitution p.Val593Met. To our knowledge, this variant has not been reported in the literature or in a large population database (gnomAD), indicating this variant is rare. At this time, the clinical significance of this variant is uncertain due to the absence of conclusive functional and genetic evidence.